The following is an entry in ClinVar:

NM_002677.5(PMP2):c.41G>A (p.Ser14Asn)

Gene: PMP2 (peripheral myelin protein 2; minus strand). Cytogenetic location: 8q21.13.
Variant type: single nucleotide variant.
Coding change: c.41G>A on transcript NM_002677.5 (MANE Select); coding-DNA position 41, G replaced by A.
Protein change: p.Ser14Asn; replaces serine 14 with asparagine.
Molecular consequence: missense variant.
Genome position (GRCh38, 1-based): chr8:81,447,346, C>T on the plus strand (G>A on the coding strand, the complement: PMP2 is on the minus strand). VCF-style: chr8-81447346-C-T. GRCh37 (hg19) VCF-style: chr8-82359581-C-T.
Other names: c.41G>A, p.Ser14Asn (NM_001348381.2); short protein forms S14N.
Identifiers: ClinVar variation 1937316 (VCV001937316.5), dbSNP rs2487485387, ClinGen allele CA371518654.

ClinVar aggregate classification (germline): Uncertain significance (1 of 4 stars; one submission).

Allele frequency attached by ClinVar (database versions not stated): gnomAD exomes below 0.00001.

Submission:

Labcorp Genetics (formerly Invitae), Labcorp
Classification: Uncertain significance. Last evaluated: 2022-02-28. Review status: criteria provided, single submitter. Criteria: Invitae Variant Classification Sherloc (09022015). Collection method: clinical testing. Allele origin: germline.
Comment: This variant is not present in population databases (gnomAD no frequency). In summary, the available evidence is currently insufficient to determine the role of this variant in disease. Therefore, it has been classified as a Variant of Uncertain Significance. Algorithms developed to predict the effect of missense changes on protein structure and function are either unavailable or do not agree on the potential impact of this missense change (SIFT: "Deleterious"; PolyPhen-2: "Possibly Damaging"; Align-GVGD: "Class C0"). This variant has not been reported in the literature in individuals affected with PMP2-related conditions. This sequence change replaces serine, which is neutral and polar, with asparagine, which is neutral and polar, at codon 14 of the PMP2 protein (p.Ser14Asn).